The following is an entry in ClinVar:

NM_004304.5(ALK):c.3811T>C (p.Phe1271Leu)

Gene: ALK (ALK receptor tyrosine kinase; minus strand). Cytogenetic location: 2p23.2.
Variant type: single nucleotide variant.
Coding change: c.3811T>C on transcript NM_004304.5 (MANE Select); coding-DNA position 3811, T replaced by C.
Protein change: p.Phe1271Leu; replaces phenylalanine 1271 with leucine.
Molecular consequence: missense variant.
Genome position (GRCh38, 1-based): chr2:29,209,811, A>G on the plus strand (T>C on the coding strand, the complement: ALK is on the minus strand). VCF-style: chr2-29209811-A-G. GRCh37 (hg19) VCF-style: chr2-29432677-A-G.
Other names: c.607T>C, p.Phe203Leu (NM_001353765.2); short protein forms F1271L, F203L.
Identifiers: ClinVar variation 1735165 (VCV001735165.2), dbSNP rs2148155120, ClinGen allele CA346469617.

ClinVar aggregate classification (germline): Uncertain significance (1 of 4 stars; one submission).

Conditions:
Hereditary cancer-predisposing syndrome. Also called: Neoplastic Syndromes, Hereditary; Tumor predisposition; Hereditary Cancer Syndrome; Hereditary neoplastic syndrome. Identifiers: Orphanet 140162, MedGen C0027672, MeSH D009386, MONDO:0015356.

Submission:

Ambry Genetics
Classification: Uncertain significance for Hereditary cancer-predisposing syndrome. Last evaluated: 2021-12-10. Review status: criteria provided, single submitter. Criteria: Ambry Variant Classification Scheme 2023. Collection method: clinical testing. Allele origin: germline.
Comment: The p.F1271L variant (also known as c.3811T>C), located in coding exon 25 of the ALK gene, results from a T to C substitution at nucleotide position 3811. The phenylalanine at codon 1271 is replaced by leucine, an amino acid with highly similar properties. In a computational study utilizing molecular dynamics, this alteration was experimentally determined to be a non-activating variant (Patil K et al. Proc Natl Acad Sci U S A, 2021 03;118:). This amino acid position is highly conserved in available vertebrate species. In addition, this alteration is predicted to be deleterious by in silico analysis. Since supporting evidence is limited at this time, the clinical significance of this alteration remains unclear.

Literature cited by the submitters: PubMed 30006516; PubMed 33674381.